The following is an entry in ClinVar:

NM_014270.5(SLC7A9):c.544G>A (p.Ala182Thr)

Gene: SLC7A9 (solute carrier family 7 member 9; minus strand). Cytogenetic location: 19q13.11.
Variant type: single nucleotide variant.
Coding change: c.544G>A on transcript NM_014270.5 (MANE Select); coding-DNA position 544, G replaced by A.
Protein change: p.Ala182Thr; replaces alanine 182 with threonine.
Molecular consequence: missense variant.
Genome position (GRCh38, 1-based): chr19:32,862,521, C>T on the plus strand (G>A on the coding strand, the complement: SLC7A9 is on the minus strand). VCF-style: chr19-32862521-C-T. GRCh37 (hg19) VCF-style: chr19-33353427-C-T.
Other names: c.544G>A, p.Ala182Thr (NM_001126335.2, NM_001243036.2); short protein forms A182T.
Identifiers: ClinVar variation 5782 (VCV000005782.61), dbSNP rs79389353, ClinGen allele CA211245.

ClinVar aggregate classification (germline): Conflicting classifications of pathogenicity. Review status: criteria provided, conflicting classifications (1 of 4 stars). 24 submissions from 24 submitters: Pathogenic (8); Likely pathogenic (9); Uncertain significance (2). 5 of the submissions do not count toward it. Last evaluated 2026-09-28.

Conditions:
SLC7A9-related disorder. Also called: SLC7A9-related condition.
Inborn genetic diseases. Identifiers: MedGen C0950123, MeSH D030342.
Cystinuria (CSNU). Also called: CYSTINURIA, TYPE I; CYSTINURIA, TYPE II; CYSTINURIA, TYPE III; Cystinuria, non-type I. Identifiers: Orphanet 214, MedGen C0010691, MONDO:0009067, OMIM 220100, HP:0003131.

Allele frequency attached by ClinVar (database versions not stated): 1000 Genomes Project 30x 0.00078; gnomAD 0.00239 and 0.00238; 1000 Genomes Project 0.00100; TOPMed 0.00249.

Submissions 1 to 11 of 24:

Department of Molecular Genetics, Istishari Arab Hospital
Classification: Pathogenic for Cystinuria. Last evaluated: 2026-09-28. Review status: criteria provided, single submitter. Criteria: ACMG Guidelines, 2015. Collection method: clinical testing. Allele origin: germline. Inheritance: Autosomal recessive inheritance. Affected: no.
Comment: The SLC7A9 variant c.544G>A, p.Ala182Thr causes an amino acid change from Ala to Thr at position 182. This variant was previously reported in patients with autosomal recessive Cystinuria (PMID: 10471498, 11157794‚ 12234930‚ 12820697‚ 15635077‚ 22480232‚ 25296721‚ 25964309). It is classified as pathogenic according to the recommendations of ACMG/AMP/ClinGen SVI guidelines.

Ambry Genetics
Classification: Pathogenic for Inborn genetic diseases. Last evaluated: 2026-09-04. Review status: criteria provided, single submitter. Criteria: Ambry Variant Classification Scheme 2023. Collection method: clinical testing. Allele origin: germline.
Comment: The p.A182T variant (also known as c.544G>A), located in coding exon 4 of the SLC7A9 gene, results from a G to A substitution at nucleotide position 544. The alanine at codon 182 is replaced by threonine, an amino acid with similar properties. This variant was reported in multiple individuals with features consistent with Cystinuria, and both autosomal recessive and autosomal dominant inheritance have been described (Feliubadal&oacute; L et al. Nat Genet, 1999 Sep;23:52-7; Bisceglia L et al. Kidney Int, 2001 Apr;59:1250-6; Font MA et al. Hum Mol Genet, 2001 Feb;10:305-16; Font-Llitj&oacute;s M et al. J Med Genet, 2005 Jan;42:58-68; Halbritter J et al. J Am Soc Nephrol, 2015 Mar;26:543-51; Rhodes HL et al. Clin J Am Soc Nephrol, 2015 Jul;10:1235-45). This amino acid position is not well conserved in available vertebrate species. In addition, the in silico prediction for this alteration is inconclusive. Based on data from gnomAD, the A allele has an overall frequency of 0.26% (727/282810) total alleles studied. The highest observed frequency was 0.61% (63/10368) of Ashkenazi Jewish alleles. Based on the supporting evidence, this variant is interpreted as a disease-causing mutation.

PreventionGenetics, part of Exact Sciences
Classification: Likely pathogenic for SLC7A9-related condition. Last evaluated: 2026-08-26. Review status: criteria provided, single submitter. Criteria: ACMG Guidelines, 2015. Collection method: clinical testing. Allele origin: germline.
Comment: The SLC7A9 c.544G>A variant is predicted to result in the amino acid substitution p.Ala182Thr. This variant has been reported in many individuals to be a mild pathogenic allele for autosomal recessive cystinuria (see for example Tostivint et al. 2017. PubMed ID: 28646536; Font et al. 2001. PubMed ID: 11157794; Feliubadaló et al. 1999. PubMed ID: 10471498; Cogal et al. 2021. PubMed ID: 34805638). This variant is reported in 0.61% of alleles in individuals of Ashkenazi Jewish descent in gnomAD. This variant is interpreted as likely pathogenic for autosomal recessive SLC7A9-related disorders.

Dasa
Classification: Pathogenic. Last evaluated: 2026-02-23. Review status: criteria provided, single submitter. Criteria: DASA Assertion Criteria. Collection method: clinical testing. Allele origin: germline.
Comment: NM_014270.5(SLC7A9):c.544G>A (p.Ala182Thr) is a missense variant that results in the substitution of alanine with threonine. Segregation data support an association with disease in the reported family/families. This variant has been recurrently observed in individuals with SLC7A9-related disorders (PMID: 10471498; PMID: 11157794; PMID: 11260385; PMID: 15635077; PMID: 25109415). Functional evidence supports an impact on the gene or gene product (PMID: 10471498; PMID: 11157794; PMID: 11260385; PMID: 15635077; PMID: 25109415). Also, this variant is rare in population databases. Based on the currently available evidence, this variant is classified as pathogenic.

Labcorp Genetics (formerly Invitae), Labcorp
Classification: Likely pathogenic. Last evaluated: 2026-01-16. Review status: criteria provided, single submitter. Criteria: Invitae Variant Classification Sherloc (09022015). Collection method: clinical testing. Allele origin: germline.
Comment: This sequence change replaces alanine, which is neutral and non-polar, with threonine, which is neutral and polar, at codon 182 of the SLC7A9 protein (p.Ala182Thr). This variant is present in population databases (rs79389353, gnomAD 0.6%), and has an allele count higher than expected for a pathogenic variant. This missense change has been observed in individuals with non-type I cystinuria or cystinuria (PMID: 10471498, 11157794, 11260385, 15635077, 25109415, 25296721, 25964309, 28646536). ClinVar contains an entry for this variant (Variation ID: 5782). Invitae Evidence Modeling of protein sequence and biophysical properties (such as structural, functional, and spatial information, amino acid conservation, physicochemical variation, residue mobility, and thermodynamic stability) indicates that this missense variant is not expected to disrupt SLC7A9 protein function with a negative predictive value of 80%. Experimental studies have shown that this missense change affects SLC7A9 function (PMID: 11157794, 12234930). In summary, the currently available evidence indicates that the variant is pathogenic, but additional data are needed to prove that conclusively. Therefore, this variant has been classified as Likely Pathogenic.

Victorian Clinical Genetics Services, Murdoch Childrens Research Institute
Classification: Pathogenic for Cystinuria. Last evaluated: 2025-12-19. Review status: criteria provided, single submitter. Criteria: ACMG Guidelines, 2015. Collection method: clinical testing. Allele origin: germline. Affected: yes.
Comment: This variant is classified as Pathogenic. Evidence in support of pathogenic classification: Variant is present in gnomAD (v2) <0.01 (723 heterozygotes, 2 homozygotes); This variant has strong previous evidence of pathogenicity in unrelated individuals. This variant has been reported pathogenic in heterozygous, compound heterozygous and homozygous state in multiple patients with cystinuria (ClinVar, PMIDs: 25296721, 28646536); This variant has moderate functional evidence supporting abnormal protein function. In vitro assays demonstrated reduced cystine transport activities (PMID: 11157794). Evidence in support of benign classification: Missense variant consistently predicted to be tolerated by multiple in silico tools or not conserved in placental mammals with a minor amino acid change. Additional information: Variant is predicted to result in a missense amino acid change from alanine to threonine; This variant is heterozygous; This gene is associated with both recessive and dominant disease. Some heterozygous variants have been reported to present with a milder phenotype (OMIM, PMID: 11157794); Alternative amino acid changes at the same position have been observed in gnomAD (v2) (17 heterozygotes, 0 homozygotes); Variant is located in the annotated AA permease 2 domain (DECIPHER); Loss of function is a known mechanism of disease in this gene and is associated with cystinuria (MIM#220100).

Rare Kidney Stone Consortium and the Mayo Clinic Hyperoxaluria Center, Mayo Clinic
Classification: Pathogenic for Cystinuria. Last evaluated: 2025-10-03. Review status: criteria provided, single submitter. Criteria: ACMG Guidelines, 2015. Collection method: research. Allele origin: germline. Affected: yes. Observed: 5 variant alleles.

First Genomix Gene Laboratory, Genetic Diagnostics Department
Classification: Likely pathogenic for Cystinuria. Last evaluated: 2025-07-25. Review status: criteria provided, single submitter. Criteria: ACMG Guidelines, 2015. Collection method: clinical testing. Allele origin: germline. Inheritance: Autosomal recessive inheritance. Affected: no. Observed: 1 variant allele.

GeneDx
Classification: Uncertain significance. Last evaluated: 2025-05-21. Review status: criteria provided, single submitter. Criteria: GeneDx Variant Classification Process June 2021. Collection method: clinical testing. Allele origin: germline. Affected: yes.
Comment: Reported previously as a common variant associated with mild cystinuria, with both autosomal recessive and dominant inheritance described (PMID: 28717662, 10471498, 12820697, 25964309, 28646536); Reported with both type 1 and non-type 1 cystinuria, demonstrating reduced penetrance in heterozygotes (PMID: 15635077, 28717662); Suggested to be a mild variant with reduced activity that results in a trafficking defect, but no functional studies have been performed to confirm this hypothesis, and available functional studies demonstrate significant residual transporter activity comparable to wild-type (PMID: 11157794, 15635077, 12234930); In silico analysis supports that this missense variant does not alter protein structure/function; This variant is associated with the following publications: (PMID: 30609409, 30487145, 25637381, 25109415, 12234930, 24123366, 26990548, 12820697, 10471498, 25964309, 28646536, 25296721, 28812535, 31589614, 35923129, 35643372, 34805638, 11260385, 25777271, 38544324, 37561200, 11157794, 15635077, 28717662)

Revvity Omics, Revvity
Classification: Likely pathogenic for Cystinuria. Last evaluated: 2025-03-28. Review status: criteria provided, single submitter. Criteria: ACMG Guidelines, 2015. Collection method: clinical testing. Allele origin: germline.

Blueprint Genetics
Classification: Uncertain significance. Last evaluated: 2024-11-20. Review status: criteria provided, single submitter. Criteria: ACMG Guidelines, 2015. Collection method: clinical testing. Allele origin: germline.